The following is an entry in ClinVar:

ClinVar aggregate classification (germline): Uncertain significance (1 of 4 stars; one submission).

Conditions:
Hereditary breast ovarian cancer syndrome. Also called: Hereditary breast and ovarian cancer syndrome (HBOC); Hereditary breast and ovarian cancer syndrome; Breast and ovarian cancer; Hereditary breast and/or ovarian cancer syndrome; Hereditary breast and ovarian cancer; BRCA1- and BRCA2-Associated Hereditary Breast and Ovarian Cancer. Identifiers: Orphanet 145, MedGen C0677776, MeSH D061325, MONDO:0003582. Disease mechanism: loss of function.

Submission:

Labcorp Genetics (formerly Invitae), Labcorp
Classification: Uncertain significance for Hereditary breast ovarian cancer syndrome. Last evaluated: 2017-01-13. Review status: criteria provided, single submitter. Criteria: Invitae Variant Classification Sherloc (09022015). Collection method: clinical testing. Allele origin: germline.
Comment: In summary, this variant is a novel missense change with uncertain impact on protein function. It has been classified as a Variant of Uncertain Significance. Algorithms developed to predict the effect of missense changes on protein structure and function do not agree on the potential impact of this missense change (SIFT: "Tolerated"; PolyPhen-2: "Possibly Damaging"; Align-GVGD: "Class C0"). This variant is not present in population databases (ExAC no frequency) and has not been reported in the literature in individuals with a BRCA1-related disease. This sequence change replaces glycine with glutamic acid at codon 1624 of the BRCA1 protein (p.Gly1624Glu). The glycine residue is weakly conserved and there is a moderate physicochemical difference between glycine and glutamic acid.

NM_007294.4(BRCA1):c.4871G>A (p.Gly1624Glu)

Gene: BRCA1 (BRCA1 DNA repair associated; minus strand). Cytogenetic location: 17q21.31.
Variant type: single nucleotide variant.
Coding change: c.4871G>A on transcript NM_007294.4 (MANE Select); coding-DNA position 4871, G replaced by A.
Protein change: p.Gly1624Glu; replaces glycine 1624 with glutamic acid.
Molecular consequence: missense variant. On other transcripts: non-coding transcript variant (1).
Genome position (GRCh38, 1-based): chr17:43,071,043, C>T on the plus strand (G>A on the coding strand, the complement: BRCA1 is on the minus strand). VCF-style: chr17-43071043-C-T. GRCh37 (hg19) VCF-style: chr17-41223060-C-T.
Other names: c.4871G>A, p.Gly1624Glu (NM_001407594.1, NM_001407602.1, NM_001407596.1 and 8 more transcripts); c.4868G>A, p.Gly1623Glu (NM_001407610.1, NM_001407858.1, NM_001407859.1 and 17 more transcripts); c.1295G>A, p.Gly432Glu (NM_001408502.1, NM_001408503.1, NM_001408504.1); c.1292G>A, p.Gly431Glu (NM_001408505.1); c.1235G>A, p.Gly412Glu (NM_001408506.1); c.1223G>A, p.Gly408Glu (NM_001408508.1); c.1181G>A, p.Gly394Glu (NM_001408510.1); c.1232G>A, p.Gly411Glu (NM_001408507.1); and 70 more; short protein forms G1624E, G520E, G1645E, G1577E, G1455E, G1512E, G1554E, G1555E.
Identifiers: ClinVar variation 462656 (VCV000462656.10), dbSNP rs1555580767, ClinGen allele CA10591786.